The following is an entry in ClinVar:

NM_001127208.3(TET2):c.14G>C (p.Arg5Thr)

Genes: TET2 (tet methylcytosine dioxygenase 2; plus strand), TET2-AS1 (TET2 antisense RNA 1; minus strand). Cytogenetic location: 4q24.
Variant type: single nucleotide variant.
Coding change: c.14G>C on transcript NM_001127208.3 (MANE Select); coding-DNA position 14, G replaced by C.
Protein change: p.Arg5Thr; replaces arginine 5 with threonine.
Molecular consequence: missense variant.
Genome position (GRCh38, 1-based): chr4:105,233,956, G>C. VCF-style: chr4-105233956-G-C. GRCh37 (hg19) VCF-style: chr4-106155113-G-C.
Other names: c.14G>C, p.Arg5Thr (NM_017628.4); short protein forms R5T.
Identifiers: ClinVar variation 4767872 (VCV004767872.1).

ClinVar aggregate classification (germline): Uncertain significance (1 of 4 stars; one submission).

gnomAD v4.1: 3 of 1,613,856 alleles (0.00019%); highest among the groups gnomAD compares: East Asian, 0.0045%; no homozygotes.

Submission:

Labcorp Genetics (formerly Invitae), Labcorp
Classification: Uncertain significance. Last evaluated: 2025-11-24. Review status: criteria provided, single submitter. Criteria: Invitae Variant Classification Sherloc (09022015). Collection method: clinical testing. Allele origin: germline.
Comment: This sequence change replaces arginine, which is basic and polar, with threonine, which is neutral and polar, at codon 5 of the TET2 protein (p.Arg5Thr). This variant is present in population databases (rs568091851, gnomAD 0.006%). This variant has not been reported in the literature in individuals affected with TET2-related conditions. An algorithm developed to predict the effect of missense changes on protein structure and function (PolyPhen-2) suggests that this variant is likely to be tolerated. In summary, the available evidence is currently insufficient to determine the role of this variant in disease. Therefore, it has been classified as a Variant of Uncertain Significance.